The following is an entry in ClinVar:

ClinVar aggregate classification (germline): Uncertain significance (1 of 4 stars; one submission).

Conditions:
Congenital diarrhea 7 with exudative enteropathy. Also called: Diarrhea 7. Identifiers: Orphanet 329242, MedGen C4014516, MONDO:0014375, OMIM 615863.

Allele frequency attached by ClinVar (database versions not stated): TOPMed 0.00004 and 0.00003; ESP Exome Variant Server 0.00008; gnomAD 0.00002; ExAC 0.00003; gnomAD exomes 0.00003.
gnomAD v4.1: 42 of 1,519,788 alleles (0.0028%); highest among the groups gnomAD compares: South Asian, 0.004%; no homozygotes.

Submission:

Baylor Genetics
Classification: Uncertain significance for Congenital diarrhea 7 with exudative enteropathy. Last evaluated: 2019-07-10. Review status: criteria provided, single submitter. Criteria: ACMG Guidelines, 2015. Collection method: clinical testing. Allele origin: unknown. Affected: yes.
Comment: This variant was determined to be of uncertain significance according to ACMG Guidelines, 2015 [PMID:25741868].

NM_012079.6(DGAT1):c.805C>T (p.Arg269Cys)

Gene: DGAT1 (diacylglycerol O-acyltransferase 1; minus strand). Cytogenetic location: 8q24.3.
Variant type: single nucleotide variant.
Coding change: c.805C>T on transcript NM_012079.6 (MANE Select); coding-DNA position 805, C replaced by T.
Protein change: p.Arg269Cys; replaces arginine 269 with cysteine.
Molecular consequence: missense variant.
Genome position (GRCh38, 1-based): chr8:144,317,964, G>A on the plus strand (C>T on the coding strand, the complement: DGAT1 is on the minus strand). VCF-style: chr8-144317964-G-A. GRCh37 (hg19) VCF-style: chr8-145541627-G-A.
Other names: short protein forms R269C.
Identifiers: ClinVar variation 1030219 (VCV001030219.1), dbSNP rs373363244, ClinGen allele CA4936835.